The following is an entry in ClinVar:

NM_024408.4(NOTCH2):c.2848A>G (p.Met950Val)

Gene: NOTCH2 (notch receptor 2; minus strand). Cytogenetic location: 1p12.
Variant type: single nucleotide variant.
Coding change: c.2848A>G on transcript NM_024408.4 (MANE Select); coding-DNA position 2848, A replaced by G.
Protein change: p.Met950Val; replaces methionine 950 with valine.
Molecular consequence: missense variant.
Genome position (GRCh38, 1-based): chr1:119,941,659, T>C on the plus strand (A>G on the coding strand, the complement: NOTCH2 is on the minus strand). VCF-style: chr1-119941659-T-C. GRCh37 (hg19) VCF-style: chr1-120484282-T-C.
Other names: c.2848A>G, p.Met950Val (NM_001200001.2); short protein forms M950V.
Identifiers: ClinVar variation 4737055 (VCV004737055.1).
Genomic context (GRCh38, chr1:119,941,659, plus strand): 5'-TGTTGACGTAGTCAGAGCAGGTCCCTCCATTCTTACAGGGTTCACTCAGACACTCATTCA[T>C]GTCTGTCTGGCACTTATCCCCAGTGAAACCCGGAAGGCAGAGGCAGGAGAAAGTATTCAC-3'
Protein context (NP_077719.2, residues 940-960): GFTGDKCQTD[Met950Val]NECLSEPCKN

ClinVar aggregate classification (germline): Uncertain significance (1 of 4 stars; one submission).

Conditions:
Hajdu-Cheney syndrome (HJCYS). Also called: ACROOSTEOLYSIS WITH OSTEOPOROSIS AND CHANGES IN SKULL AND MANDIBLE; SERPENTINE FIBULA-POLYCYSTIC KIDNEY SYNDROME; Acroosteolysis dominant type. Identifiers: Orphanet 955, MedGen C0917715, MONDO:0007057, OMIM 102500.

Submission:

Labcorp Genetics (formerly Invitae), Labcorp
Classification: Uncertain significance for Hajdu-Cheney syndrome. Last evaluated: 2025-06-23. Review status: criteria provided, single submitter. Criteria: Invitae Variant Classification Sherloc (09022015). Collection method: clinical testing. Allele origin: germline.
Comment: This sequence change replaces methionine, which is neutral and non-polar, with valine, which is neutral and non-polar, at codon 950 of the NOTCH2 protein (p.Met950Val). This variant is not present in population databases (gnomAD no frequency). This variant has not been reported in the literature in individuals affected with NOTCH2-related conditions. Invitae Evidence Modeling of protein sequence and biophysical properties (such as structural, functional, and spatial information, amino acid conservation, physicochemical variation, residue mobility, and thermodynamic stability) indicates that this missense variant is not expected to disrupt NOTCH2 protein function with a negative predictive value of 80%. In summary, the available evidence is currently insufficient to determine the role of this variant in disease. Therefore, it has been classified as a Variant of Uncertain Significance.